The following is an entry in ClinVar:

NM_001083116.3(PRF1):c.133G>A (p.Gly45Arg)

Gene: PRF1 (perforin 1; minus strand). Cytogenetic location: 10q22.1.
Variant type: single nucleotide variant.
Coding change: c.133G>A on transcript NM_001083116.3 (MANE Select); coding-DNA position 133, G replaced by A.
Protein change: p.Gly45Arg; replaces glycine 45 with arginine.
Molecular consequence: missense variant.
Genome position (GRCh38, 1-based): chr10:70,600,770, C>T on the plus strand (G>A on the coding strand, the complement: PRF1 is on the minus strand). VCF-style: chr10-70600770-C-T. GRCh37 (hg19) VCF-style: chr10-72360526-C-T.
Other names: c.133G>A (NM_005041.5); c.133G>A, p.Gly45Arg (NM_005041.6); short protein forms G45R.
Identifiers: ClinVar variation 468300 (VCV000468300.15), dbSNP rs578092914, ClinGen allele CA209370195.
Genomic context (GRCh38, chr10:70,600,770, plus strand): 5'-TTTGTGTGTCCACTGGGAAGGAGCCCGAGCGGCGGAGGCTGGTCACGTCCACACCCTCCC[C>T]GGCCAGCCATGCACCAGGCACGAACTTGTGGCTGCGCTTGCACTCTGAGCGTGCGGCTGT-3'
Protein context (NP_001076585.1, residues 35-55): HKFVPGAWLA[Gly45Arg]EGVDVTSLRR

ClinVar aggregate classification (germline): Pathogenic/Likely pathogenic. Review status: criteria provided, multiple submitters, no conflicts (2 of 4 stars). 6 submissions from 6 submitters: Pathogenic (4); Likely pathogenic (1). 1 of the submissions does not count toward it. Last evaluated 2026-08-06.

Conditions:
PRF1-related disorder. Also called: PRF1-related condition.
Lymphoma, non-Hodgkin, familial. Identifiers: MedGen C4721532, MONDO:0011508, OMIM 605027.
Familial hemophagocytic lymphohistiocytosis 2 (FHL2). Also called: PRF1-Related Familial Hemophagocytic Lymphohistiocytosis (PRF1-fHLH). Identifiers: Orphanet 540, MedGen C1863727, MONDO:0011337, OMIM 603553.
Aplastic anemia. Identifiers: Orphanet 182040, Orphanet 88, MedGen C0002874, MONDO:0015909, OMIM 609135, HP:0001915.

Allele frequency attached by ClinVar (database versions not stated): gnomAD 0.00001; gnomAD exomes 0.00001; TOPMed 0.00005; 1000 Genomes Project 30x 0.00016; 1000 Genomes Project 0.00020.

Submissions (6):

OLLIN Analises Genomicas, OLLIN
Classification: Likely pathogenic for Lymphoma, non-Hodgkin, familial. Last evaluated: 2026-08-06. Review status: criteria provided, single submitter. Criteria: ACMG Guidelines 2015 PMID 25741868. Collection method: clinical testing. Allele origin: germline.
Comment: This missense variant, located in exon 2 (of 3), has been reported in ClinVar (accession VCV000468300.13), in gnomAD with an allele frequency of 0.000807%, and in the scientific literature, in compound heterozygosity, in individuals with PRF1 related disorders (PMID: 14757862, 11756153, 29357941, 30697212). Functional studies suggest that this variant may affect protein function, and in silico analysis predicts a deleterious effect (PMID: 14757862). According to the currently available evidence, this variant has been classified as likely pathogenic (PS3_P, PM2_P, PM3_S, PP3_S).

Labcorp Genetics (formerly Invitae), Labcorp
Classification: Pathogenic for Familial hemophagocytic lymphohistiocytosis 2. Last evaluated: 2025-08-07. Review status: criteria provided, single submitter. Criteria: Invitae Variant Classification Sherloc (09022015). Collection method: clinical testing. Allele origin: germline.
Comment: This sequence change replaces glycine, which is neutral and non-polar, with arginine, which is basic and polar, at codon 45 of the PRF1 protein (p.Gly45Arg). This variant is present in population databases (rs578092914, gnomAD 0.01%). This missense change has been observed in individual(s) with PRF1-related disorders (PMID: 11756153, 29357941, 30697212; internal data). In at least one individual the data is consistent with being in trans (on the opposite chromosome) from a pathogenic variant. ClinVar contains an entry for this variant (Variation ID: 468300). Invitae Evidence Modeling of protein sequence and biophysical properties (such as structural, functional, and spatial information, amino acid conservation, physicochemical variation, residue mobility, and thermodynamic stability) indicates that this missense variant is expected to disrupt PRF1 protein function with a positive predictive value of 95%. This variant disrupts the p.Gly45 amino acid residue in PRF1. Other variant(s) that disrupt this residue have been observed in individuals with PRF1-related conditions (PMID: 14757862), which suggests that this may be a clinically significant amino acid residue. For these reasons, this variant has been classified as Pathogenic.

Baylor Genetics
Classification: Pathogenic for Aplastic anemia. Last evaluated: 2024-03-21. Review status: criteria provided, single submitter. Criteria: ACMG Guidelines, 2015. Collection method: clinical testing. Allele origin: unknown.

Blueprint Genetics
Classification: Pathogenic for PRF1-related disorders. Last evaluated: 2023-04-27. Review status: criteria provided, single submitter. Criteria: ACMG Guidelines, 2015. Collection method: clinical testing. Allele origin: germline. Affected: yes. Observed: 5 variant alleles.

Clinical Genetics Laboratory, Skane University Hospital Lund
Classification: Pathogenic. Last evaluated: 2022-05-27. Review status: criteria provided, single submitter. Criteria: ACMG Guidelines, 2015. Collection method: clinical testing. Allele origin: germline. Affected: yes.

PreventionGenetics, part of Exact Sciences
Classification: Pathogenic for PRF1-related condition. Last evaluated: 2024-06-20. Review status: no assertion criteria provided. Collection method: clinical testing. Allele origin: germline. Not counted in ClinVar's aggregate classification.
Comment: The PRF1 c.133G>A variant is predicted to result in the amino acid substitution p.Gly45Arg. This variant has been reported in the homozygous or compound heterozygous state in three individuals with haemophagocytic lymphohistiocytosis (HLH) (Gadoury-Levesque et al. 2020. PubMed ID: 32542393; Kogawa et al. 2002. PubMed ID: 11756153; Internal Data; PreventionGenetics). In vitro functional studies demonstrate partial proteolytic maturation and reduced perforin activity (Risma et al. 2006. PubMed ID: 16374518). This variant is reported in 0.0099% of alleles in individuals of South Asian descent in gnomAD. This variant is interpreted as pathogenic.

Literature cited by the submitters: PubMed 14757862 (cited by OLLIN Analises Genomicas, OLLIN and Labcorp Genetics (formerly Invitae), Labcorp); PubMed 11756153 (cited by OLLIN Analises Genomicas, OLLIN and Labcorp Genetics (formerly Invitae), Labcorp); PubMed 29357941 (cited by OLLIN Analises Genomicas, OLLIN and Labcorp Genetics (formerly Invitae), Labcorp); PubMed 30697212 (cited by OLLIN Analises Genomicas, OLLIN and Labcorp Genetics (formerly Invitae), Labcorp).